The following is an entry in ClinVar:

NM_001110556.2(FLNA):c.2909A>G (p.Asp970Gly)

Gene: FLNA (filamin A; minus strand). Cytogenetic location: Xq28.
Variant type: single nucleotide variant.
Coding change: c.2909A>G on transcript NM_001110556.2 (MANE Select); coding-DNA position 2909, A replaced by G.
Protein change: p.Asp970Gly; replaces aspartic acid 970 with glycine.
Molecular consequence: missense variant.
Genome position (GRCh38, 1-based): chrX:154,361,705, T>C on the plus strand (A>G on the coding strand, the complement: FLNA is on the minus strand). VCF-style: chrX-154361705-T-C. GRCh37 (hg19) VCF-style: chrX-153590073-T-C.
Other names: c.2909A>G, p.Asp970Gly (NM_001456.4); short protein forms D970G.
Identifiers: ClinVar variation 1797543 (VCV001797543.2), dbSNP rs2522745748, ClinGen allele CA415231490.
Genomic context (GRCh38, chrX:154,361,705, plus strand): 5'-TGCGACAAGGGCCCCAACTACTTACTCTCTCCCAGGCCAGACACCTTGATCTTGCTGAGG[T>C]CCAGGCTTGGAGATACTGCCACTGAGAAAGGGCTCTTAGGGATGGGATCCCCTCCATAAG-3'
Protein context (NP_001104026.1, residues 960-980): PFSVAVSPSL[Asp970Gly]LSKIKVSGLG

ClinVar aggregate classification (germline): Uncertain significance (1 of 4 stars; one submission).

Conditions:
Familial thoracic aortic aneurysm and aortic dissection (TAAD). Also called: Thoracic aortic aneurysms and dissections. Identifiers: Orphanet 91387, MedGen C4707243, MONDO:0019625.

Submission:

Ambry Genetics
Classification: Uncertain significance for Familial thoracic aortic aneurysm and aortic dissection. Last evaluated: 2014-07-07. Review status: criteria provided, single submitter. Criteria: Ambry Variant Classification Scheme 2023. Collection method: clinical testing. Allele origin: germline.
Comment: The p.D970G variant (also known as c.2909A>G), located in coding exon 19 of the FLNA gene, results from an A to G substitution at nucleotide position 2909. The aspartic acid at codon 970 is replaced by glycine, an amino acid with similar properties. This variant was not reported in population based cohorts in the following databases: Database of Single Nucleotide Polymorphisms (dbSNP), NHLBI Exome Sequencing Project (ESP), and 1000 Genomes Project. In the ESP, this variant was not observed in 6134 samples with coverage at this position. This amino acid position is completely conserved on sequence alignment. In addition, this alteration is predicted to be deleterious by in silico analysis. Since supporting evidence is limited at this time, the clinical significance of this variant remains unclear.